The following is an entry in ClinVar:

NM_001134363.3(RBM20):c.610C>G (p.Pro204Ala)

Gene: RBM20 (RNA binding motif protein 20; plus strand). Cytogenetic location: 10q25.2.
Variant type: single nucleotide variant.
Coding change: c.610C>G on transcript NM_001134363.3 (MANE Select); coding-DNA position 610, C replaced by G.
Protein change: p.Pro204Ala; replaces proline 204 with alanine.
Molecular consequence: missense variant.
Genome position (GRCh38, 1-based): chr10:110,781,219, C>G. VCF-style: chr10-110781219-C-G. GRCh37 (hg19) VCF-style: chr10-112540977-C-G.
Other names: short protein forms P204A.
Identifiers: ClinVar variation 4802647 (VCV004802647.1).

ClinVar aggregate classification (germline): Uncertain significance (1 of 4 stars; one submission).

Conditions:
Dilated cardiomyopathy 1DD (CMD1DD). Identifiers: Orphanet 154, MedGen C2750995, MONDO:0013168, OMIM 613172.

Submission:

Labcorp Genetics (formerly Invitae), Labcorp
Classification: Uncertain significance for Dilated cardiomyopathy 1DD. Last evaluated: 2025-06-03. Review status: criteria provided, single submitter. Criteria: Invitae Variant Classification Sherloc (09022015). Collection method: clinical testing. Allele origin: germline.
Comment: This sequence change replaces proline, which is neutral and non-polar, with alanine, which is neutral and non-polar, at codon 204 of the RBM20 protein (p.Pro204Ala). This variant is not present in population databases (gnomAD no frequency). This variant has not been reported in the literature in individuals affected with RBM20-related conditions. Invitae Evidence Modeling of protein sequence and biophysical properties (such as structural, functional, and spatial information, amino acid conservation, physicochemical variation, residue mobility, and thermodynamic stability) indicates that this missense variant is not expected to disrupt RBM20 protein function with a negative predictive value of 95%. In summary, the available evidence is currently insufficient to determine the role of this variant in disease. Therefore, it has been classified as a Variant of Uncertain Significance.